The following is an entry in ClinVar:

ClinVar aggregate classification (germline): Conflicting classifications of pathogenicity. Review status: criteria provided, conflicting classifications (1 of 4 stars). 5 submissions from 5 submitters: Uncertain significance (1); Likely benign (4). Last evaluated 2025-12-03.

Conditions:
Familial thoracic aortic aneurysm and aortic dissection (TAAD). Also called: Thoracic aortic aneurysms and dissections. Identifiers: Orphanet 91387, MedGen C4707243, MONDO:0019625.
Aortic aneurysm, familial thoracic 4 (AAT4). Also called: AORTIC ANEURYSM/AORTIC DISSECTION AND PATENT DUCTUS ARTERIOSUS. Identifiers: MedGen C1851504, MONDO:0007568, OMIM 132900.

Allele frequency attached by ClinVar (database versions not stated): gnomAD 0.00003; TOPMed 0.00003; ExAC 0.00004; gnomAD exomes 0.00004; ESP Exome Variant Server 0.00008.
gnomAD v4.1: 67 of 1,613,222 alleles (0.0042%); highest among the groups gnomAD compares: Middle Eastern, 0.019%; no homozygotes.

Submissions (5):

Labcorp Genetics (formerly Invitae), Labcorp
Classification: Likely benign for Aortic aneurysm, familial thoracic 4. Last evaluated: 2025-12-03. Review status: criteria provided, single submitter. Criteria: Invitae Variant Classification Sherloc (09022015). Collection method: clinical testing. Allele origin: germline.

Blueprint Genetics
Classification: Likely benign. Last evaluated: 2023-11-13. Review status: criteria provided, single submitter. Criteria: ACMG Guidelines, 2015. Collection method: clinical testing. Allele origin: germline.

Color Diagnostics, LLC DBA Color Health
Classification: Likely benign for Familial thoracic aortic aneurysm and aortic dissection. Last evaluated: 2018-10-30. Review status: criteria provided, single submitter. Criteria: ACMG Guidelines, 2015. Collection method: clinical testing. Allele origin: germline.

Illumina Laboratory Services, Illumina
Classification: Uncertain significance for Aortic aneurysm, familial thoracic 4. Last evaluated: 2018-04-06. Review status: criteria provided, single submitter. Criteria: ICSL Variant Classification Criteria 13 December 2019. Collection method: clinical testing. Allele origin: germline.

GeneDx
Classification: Likely benign. Last evaluated: 2017-12-29. Review status: criteria provided, single submitter. Criteria: GeneDx Variant Classification (06012015). Collection method: clinical testing. Allele origin: germline. Affected: yes.
Comment: This variant is considered likely benign or benign based on one or more of the following criteria: it is a conservative change, it occurs at a poorly conserved position in the protein, it is predicted to be benign by multiple in silico algorithms, and/or has population frequency not consistent with disease.

NM_002474.3(MYH11):c.1402-14C>T

Gene: MYH11 (myosin heavy chain 11; minus strand). Cytogenetic location: 16p13.11.
Variant type: single nucleotide variant.
Coding change: c.1402-14C>T on transcript NM_002474.3 (MANE Select); 14 bases into the intron before coding-DNA position 1402, C replaced by T.
Molecular consequence: intron variant.
Genome position (GRCh38, 1-based): chr16:15,758,014, G>A on the plus strand (C>T on the coding strand, the complement: MYH11 is on the minus strand). VCF-style: chr16-15758014-G-A. GRCh37 (hg19) VCF-style: chr16-15851871-G-A.
Other names: c.1402-14C>T (NM_022844.3); c.1423-14C>T (NM_001040114.2, NM_001040113.2).
Identifiers: ClinVar variation 514298 (VCV000514298.11), dbSNP rs375973110, ClinGen allele CA7922613.